The following is an entry in ClinVar:

ClinVar aggregate classification (germline): Conflicting classifications of pathogenicity. Review status: criteria provided, conflicting classifications (1 of 4 stars). 3 submissions from 3 submitters: Uncertain significance (2); Likely benign (1). Last evaluated 2025-08-06.

Conditions:
Inborn genetic diseases. Identifiers: MedGen C0950123, MeSH D030342.
Atypical hemolytic-uremic syndrome with thrombomodulin anomaly. Also called: HEMOLYTIC UREMIC SYNDROME, ATYPICAL, SUSCEPTIBILITY TO, 6; AHUS, SUSCEPTIBILITY TO, 6. Identifiers: MedGen C2752036, MONDO:0013044, OMIM 612926. Disease mechanism: gain of function.
Thrombomodulin-related bleeding disorder (THPH12). Also called: Thrombophilia due to thrombomodulin defect. Identifiers: Orphanet 436169, MedGen C3280976, MONDO:0013775, OMIM 614486.

Allele frequency attached by ClinVar (database versions not stated): gnomAD 0.00001; ExAC 0.00015.
gnomAD v4.1: 5 of 1,509,392 alleles (0.00033%); highest among the groups gnomAD compares: Admixed American, 0.0063%; no homozygotes.

Submissions (3):

Ambry Genetics
Classification: Likely benign for Inborn genetic diseases. Last evaluated: 2025-08-06. Review status: criteria provided, single submitter. Criteria: Ambry Variant Classification Scheme 2023. Collection method: clinical testing. Allele origin: germline.

Labcorp Genetics (formerly Invitae), Labcorp
Classification: Uncertain significance. Last evaluated: 2025-04-11. Review status: criteria provided, single submitter. Criteria: Invitae Variant Classification Sherloc (09022015). Collection method: clinical testing. Allele origin: germline.
Comment: This sequence change replaces proline, which is neutral and non-polar, with arginine, which is basic and polar, at codon 208 of the THBD protein (p.Pro208Arg). The frequency data for this variant in the population databases is considered unreliable, as metrics indicate poor data quality at this position in the gnomAD database. This variant has not been reported in the literature in individuals affected with THBD-related conditions. ClinVar contains an entry for this variant (Variation ID: 2976020). Invitae Evidence Modeling of protein sequence and biophysical properties (such as structural, functional, and spatial information, amino acid conservation, physicochemical variation, residue mobility, and thermodynamic stability) indicates that this missense variant is expected to disrupt THBD protein function with a positive predictive value of 80%. In summary, the available evidence is currently insufficient to determine the role of this variant in disease. Therefore, it has been classified as a Variant of Uncertain Significance.

Fulgent Genetics
Classification: Uncertain significance for Atypical hemolytic-uremic syndrome with thrombomodulin anomaly; Thrombomodulin-related bleeding disorder. Last evaluated: 2024-02-21. Review status: criteria provided, single submitter. Criteria: ACMG Guidelines, 2015. Collection method: clinical testing. Allele origin: germline.

NM_000361.3(THBD):c.623C>G (p.Pro208Arg)

Gene: THBD (thrombomodulin; minus strand). Cytogenetic location: 20p11.21.
Variant type: single nucleotide variant.
Coding change: c.623C>G on transcript NM_000361.3 (MANE Select); coding-DNA position 623, C replaced by G.
Protein change: p.Pro208Arg; replaces proline 208 with arginine.
Molecular consequence: missense variant.
Genome position (GRCh38, 1-based): chr20:23,048,882, G>C on the plus strand (C>G on the coding strand, the complement: THBD is on the minus strand). VCF-style: chr20-23048882-G-C. GRCh37 (hg19) VCF-style: chr20-23029519-G-C.
Other names: short protein forms P208R.
Identifiers: ClinVar variation 2976020 (VCV002976020.5), dbSNP rs763737197, ClinGen allele CA9787709.